The following is an entry in ClinVar:

NM_001014342.3(FLG2):c.6249T>C (p.Ala2083=)

Genes: CCDST (cervical cancer associated DHX9 suppressive transcript; plus strand), FLG2 (filaggrin 2; minus strand). Cytogenetic location: 1q21.3.
Variant type: single nucleotide variant.
Coding change: c.6249T>C on transcript NM_001014342.3 (MANE Select); coding-DNA position 6249, T replaced by C.
Protein change: p.Ala2083=; no amino-acid change (alanine 2083 retained).
Molecular consequence: synonymous variant.
Genome position (GRCh38, 1-based): chr1:152,351,537, A>G on the plus strand (T>C on the coding strand, the complement: FLG2 is on the minus strand). VCF-style: chr1-152351537-A-G. GRCh37 (hg19) VCF-style: chr1-152324013-A-G.
Identifiers: ClinVar variation 4280894 (VCV004280894.7).

ClinVar aggregate classification (germline): Likely benign (1 of 4 stars; one submission).

gnomAD v4.1: 556 of 1,536,302 alleles (0.036%); highest among the groups gnomAD compares: African/African-American, 0.21%; no homozygotes.

Submission:

CeGaT Center for Human Genetics Tuebingen
Classification: Likely benign. Last evaluated: 2025-09-01. Review status: criteria provided, single submitter. Criteria: CeGaT Center For Human Genetics Tuebingen Variant Classification Criteria Version 2. Collection method: clinical testing. Allele origin: germline. Affected: yes. Observed: 1 variant allele.
Comment: FLG2: BP4, BP7